The following is an entry in ClinVar:

ClinVar aggregate classification (germline): Likely pathogenic (1 of 4 stars; one submission).

Submission:

Labcorp Genetics (formerly Invitae), Labcorp
Classification: Likely pathogenic. Last evaluated: 2022-06-15. Review status: criteria provided, single submitter. Criteria: Invitae Variant Classification Sherloc (09022015). Collection method: clinical testing. Allele origin: germline.
Comment: In summary, the currently available evidence indicates that the variant is pathogenic, but additional data are needed to prove that conclusively. Therefore, this variant has been classified as Likely Pathogenic. This variant has not been reported in the literature in individuals affected with POLE-related conditions. This variant results in the deletion of exons 20-23 and part of exon 19 (c.2054_2706+1003del) of the POLE gene. It is expected to disrupt RNA splicing. Variants that disrupt the donor or acceptor splice site typically lead to a loss of protein function (PMID: 16199547), and loss-of-function variants in POLE are known to be pathogenic (PMID: 23230001, 25948378, 30503519).

Literature cited by the submitters: PubMed 16199547; PubMed 23230001; PubMed 25948378; PubMed 30503519.

NC_000012.11:g.(?_133239587)_(133245061_?)del

Gene: POLE (DNA polymerase epsilon, catalytic subunit; minus strand). Cytogenetic location: 12q24.33.
Variant type: Deletion.
Identifiers: ClinVar variation 2425541 (VCV002425541.4).